The following is an entry in ClinVar:

ClinVar aggregate classification (germline): Uncertain significance (1 of 4 stars; one submission).

Submission:

CeGaT Center for Human Genetics Tuebingen
Classification: Uncertain significance. Last evaluated: 2026-05-01. Review status: criteria provided, single submitter. Criteria: CeGaT Center For Human Genetics Tuebingen Variant Classification Criteria Version 2. Collection method: clinical testing. Allele origin: germline. Affected: yes. Observed: 1 variant allele.
Comment: TRPM3: PM2

NM_001366145.2(TRPM3):c.1983G>T (p.Gln661His)

Gene: TRPM3 (transient receptor potential cation channel subfamily M member 3; minus strand). Cytogenetic location: 9q21.12.
Variant type: single nucleotide variant.
Coding change: c.1983G>T on transcript NM_001366145.2 (MANE Select); coding-DNA position 1983, G replaced by T.
Protein change: p.Gln661His; replaces glutamine 661 with histidine.
Molecular consequence: missense variant.
Genome position (GRCh38, 1-based): chr9:70,620,222, C>A on the plus strand (G>T on the coding strand, the complement: TRPM3 is on the minus strand). VCF-style: chr9-70620222-C-A. GRCh37 (hg19) VCF-style: chr9-73235138-C-A.
Other names: c.1947G>T, p.Gln649His (NM_001007471.4, NM_001366151.2); c.1953G>T, p.Gln651His (NM_001366141.2, NM_001366143.2, NM_001366149.2); c.1989G>T, p.Gln663His (NM_001366142.2); c.1488G>T, p.Gln496His (NM_020952.6); c.1524G>T, p.Gln508His (NM_024971.7, NM_001366154.2); c.1458G>T, p.Gln486His (NM_206944.5); c.1494G>T, p.Gln498His (NM_206945.5); c.1563G>T, p.Gln521His (NM_206946.5); and 5 more; short protein forms Q486H, Q496H, Q498H, Q508H, Q511H, Q521H, Q639H, Q649H.
Identifiers: ClinVar variation 4874975 (VCV004874975.2).